The following is an entry in ClinVar:

NM_033004.4(NLRP1):c.2326A>G (p.Arg776Gly)

Gene: NLRP1 (NLR family pyrin domain containing 1; minus strand). Cytogenetic location: 17p13.2.
Variant type: single nucleotide variant.
Coding change: c.2326A>G on transcript NM_033004.4 (MANE Select); coding-DNA position 2326, A replaced by G.
Protein change: p.Arg776Gly; replaces arginine 776 with glycine.
Molecular consequence: missense variant.
Genome position (GRCh38, 1-based): chr17:5,558,370, T>C on the plus strand (A>G on the coding strand, the complement: NLRP1 is on the minus strand). VCF-style: chr17-5558370-T-C. GRCh37 (hg19) VCF-style: chr17-5461690-T-C.
Other names: c.2326A>G, p.Arg776Gly (NM_001033053.3, NM_014922.5, NM_033006.4 and 1 more transcripts); short protein forms R776G.
Identifiers: ClinVar variation 2844136 (VCV002844136.3), dbSNP rs2507934685, ClinGen allele CA397382279.

ClinVar aggregate classification (germline): Uncertain significance (1 of 4 stars; one submission).

Submission:

Labcorp Genetics (formerly Invitae), Labcorp
Classification: Uncertain significance. Last evaluated: 2024-04-29. Review status: criteria provided, single submitter. Criteria: Invitae Variant Classification Sherloc (09022015). Collection method: clinical testing. Allele origin: germline.
Comment: This sequence change replaces arginine, which is basic and polar, with glycine, which is neutral and non-polar, at codon 776 of the NLRP1 protein (p.Arg776Gly). This variant is not present in population databases (gnomAD no frequency). This variant has not been reported in the literature in individuals affected with NLRP1-related conditions. Algorithms developed to predict the effect of missense changes on protein structure and function output the following: SIFT: "Not Available"; PolyPhen-2: "Benign"; Align-GVGD: "Not Available". The glycine amino acid residue is found in multiple mammalian species, which suggests that this missense change does not adversely affect protein function. In summary, the available evidence is currently insufficient to determine the role of this variant in disease. Therefore, it has been classified as a Variant of Uncertain Significance.